The following is an entry in ClinVar:

ClinVar aggregate classification (germline): Uncertain significance (1 of 4 stars; one submission).

Submission:

Labcorp Genetics (formerly Invitae), Labcorp
Classification: Uncertain significance. Last evaluated: 2025-11-03. Review status: criteria provided, single submitter. Criteria: Invitae Variant Classification Sherloc (09022015). Collection method: clinical testing. Allele origin: germline.
Comment: This sequence change replaces glycine, which is neutral and non-polar, with alanine, which is neutral and non-polar, at codon 1650 of the SON protein (p.Gly1650Ala). This variant is not present in population databases (gnomAD no frequency). This variant has not been reported in the literature in individuals affected with SON-related conditions. An algorithm developed to predict the effect of missense changes on protein structure and function (PolyPhen-2) suggests that this variant is likely to be disruptive. In summary, the available evidence is currently insufficient to determine the role of this variant in disease. Therefore, it has been classified as a Variant of Uncertain Significance.

NM_138927.4(SON):c.4949G>C (p.Gly1650Ala)

Gene: SON (SON DNA and RNA binding protein; plus strand). Cytogenetic location: 21q22.11.
Variant type: single nucleotide variant.
Coding change: c.4949G>C on transcript NM_138927.4 (MANE Select); coding-DNA position 4949, G replaced by C.
Protein change: p.Gly1650Ala; replaces glycine 1650 with alanine.
Molecular consequence: missense variant. On other transcripts: non-coding transcript variant (1), intron variant (1).
Genome position (GRCh38, 1-based): chr21:33,554,180, G>C. VCF-style: chr21-33554180-G-C. GRCh37 (hg19) VCF-style: chr21-34926486-G-C.
Other names: c.4949G>C, p.Gly1650Ala (NM_001291411.2, NM_032195.3); c.245-2976G>C (NM_001291412.3); short protein forms G1650A.
Identifiers: ClinVar variation 4704535 (VCV004704535.1).